The following is an entry in ClinVar:

NM_000268.4(NF2):c.1175AGG[4] (p.Glu394_Ala395insGlu)

Gene: NF2 (NF2, moesin-ezrin-radixin like (MERLIN) tumor suppressor; plus strand). Cytogenetic location: 22q12.2.
Variant type: Microsatellite.
Coding change: c.1175AGG[4] on transcript NM_000268.4 (MANE Select); four copies in a row of the 3-base unit AGG starting at c.1175; the reference has three copies in a row; one copy, 3 bases duplicated.
Protein change: p.Glu394_Ala395insGlu.
Molecular consequence: inframe insertion. On other transcripts: intron variant (1).
Genome position (GRCh38, 1-based): chr22:29,673,327-29,673,329, AGG duplicated; duplicating any 3 consecutive bases within chr22:29,673,320-29,673,329 gives the same sequence; the position shown is the placement nearest the transcript's 3' end. VCF-style (leftmost placement, unchanged base first): chr22-29673319-C-CGAG. GRCh37 (hg19) VCF-style: chr22-30069308-C-CGAG.
Other names: c.1061AGG[4], p.Glu356_Ala357insGlu (NM_001407053.1, NM_001407056.1); c.1052AGG[4], p.Glu353_Ala354insGlu (NM_001407054.1, NM_001407058.1, NM_181829.3); c.1049AGG[4], p.Glu352_Ala353insGlu (NM_001407055.1, NM_181828.3); c.1040AGG[4], p.Glu349_Ala350insGlu (NM_001407057.1, NM_001407059.1); c.1175AGG[4], p.Glu394_Ala395insGlu (NM_001407060.1, NM_001407066.1, NM_016418.5 and 2 more transcripts); c.917AGG[4], p.Glu308_Ala309insGlu (NM_001407062.1); c.926AGG[4], p.Glu311_Ala312insGlu (NM_001407063.1, NM_001407064.1, NM_181830.3 and 1 more transcripts); c.641AGG[4], p.Glu216_Ala217insGlu (NM_001407065.1); and 2 more.
Identifiers: ClinVar variation 2707923 (VCV002707923.3), dbSNP rs2518679715, ClinGen allele CA2697552675.

ClinVar aggregate classification (germline): Uncertain significance (1 of 4 stars; one submission).

Conditions:
Neurofibromatosis, type 2 (SWNV). Also called: BILATERAL ACOUSTIC NEUROFIBROMATOSIS; SCHWANNOMATOSIS, VESTIBULAR; NF2-Related Schwannomatosis. Identifiers: Orphanet 637, MedGen C0027832, MONDO:0007039, OMIM 101000. Disease mechanism: loss of function.

Submission:

Labcorp Genetics (formerly Invitae), Labcorp
Classification: Uncertain significance for Neurofibromatosis, type 2. Last evaluated: 2024-01-06. Review status: criteria provided, single submitter. Criteria: Invitae Variant Classification Sherloc (09022015). Collection method: clinical testing. Allele origin: germline.
Comment: This variant, c.1181_1183dup, results in the insertion of 1 amino acid(s) of the NF2 protein (p.Glu394dup), but otherwise preserves the integrity of the reading frame. This variant is not present in population databases (gnomAD no frequency). This variant has not been reported in the literature in individuals affected with NF2-related conditions. Experimental studies and prediction algorithms are not available or were not evaluated, and the functional significance of this variant is currently unknown. In summary, the available evidence is currently insufficient to determine the role of this variant in disease. Therefore, it has been classified as a Variant of Uncertain Significance.